The following is an entry in ClinVar:

ClinVar aggregate classification (germline): Uncertain significance (1 of 4 stars; one submission).

Conditions:
ASXL3-related disorder. Also called: ASXL3-related condition. Identifiers: MedGen CN381524.

Submission:

PreventionGenetics, part of Exact Sciences
Classification: Uncertain significance for ASXL3-related condition. Last evaluated: 2025-07-11. Review status: criteria provided, single submitter. Criteria: ACMG Guidelines, 2015. Collection method: clinical testing. Allele origin: germline.
Comment: The ASXL3 c.6101C>T variant is predicted to result in the amino acid substitution p.Pro2034Leu. To our knowledge, this variant has not been reported in the literature or in a large population database (gnomAD), indicating this variant is rare. At this time, the clinical significance of this variant is uncertain due to the absence of conclusive functional and genetic evidence.

NM_030632.3(ASXL3):c.6101C>T (p.Pro2034Leu)

Gene: ASXL3 (ASXL transcriptional regulator 3; plus strand). Cytogenetic location: 18q12.1.
Variant type: single nucleotide variant.
Coding change: c.6101C>T on transcript NM_030632.3 (MANE Select); coding-DNA position 6101, C replaced by T.
Protein change: p.Pro2034Leu; replaces proline 2034 with leucine.
Molecular consequence: missense variant.
Genome position (GRCh38, 1-based): chr18:33,745,949, C>T. VCF-style: chr18-33745949-C-T. GRCh37 (hg19) VCF-style: chr18-31325913-C-T.
Other names: short protein forms P2034L.
Identifiers: ClinVar variation 4980782 (VCV004980782.1).